The following is an entry in ClinVar:

NM_019066.5(MAGEL2):c.3649C>T (p.Leu1217Phe)

Gene: MAGEL2 (MAGE family member L2; minus strand). Cytogenetic location: 15q11.2.
Variant type: single nucleotide variant.
Coding change: c.3649C>T on transcript NM_019066.5 (MANE Select); coding-DNA position 3649, C replaced by T.
Protein change: p.Leu1217Phe; replaces leucine 1217 with phenylalanine.
Molecular consequence: missense variant.
Genome position (GRCh38, 1-based): chr15:23,644,094, G>A on the plus strand (C>T on the coding strand, the complement: MAGEL2 is on the minus strand). VCF-style: chr15-23644094-G-A. GRCh37 (hg19) VCF-style: chr15-23889241-G-A.
Other names: short protein forms L1217F.
Identifiers: ClinVar variation 3357314 (VCV003357314.3).

ClinVar aggregate classification (germline): Uncertain significance. Review status: criteria provided, multiple submitters, no conflicts (2 of 4 stars). 2 submissions from 2 submitters: Uncertain significance (2). Last evaluated 2026-03-25.

Conditions:
MAGEL2-related disorder. Also called: MAGEL2-related condition.
Inborn genetic diseases. Identifiers: MedGen C0950123, MeSH D030342.

gnomAD v4.1: 51 of 1,613,822 alleles (0.0032%); highest among the groups gnomAD compares: Non-Finnish European, 0.0042%; no homozygotes.

Submissions (2):

PreventionGenetics, part of Exact Sciences
Classification: Uncertain significance for MAGEL2-related condition. Last evaluated: 2026-03-25. Review status: criteria provided, single submitter. Criteria: ACMG Guidelines, 2015. Collection method: clinical testing. Allele origin: germline.
Comment: The MAGEL2 c.3649C>T variant is predicted to result in the amino acid substitution p.Leu1217Phe. To our knowledge, this variant has not been reported in the literature. This variant is reported in 0.0035% of alleles in individuals of European (Non-Finnish) descent in gnomAD, including ~50 heterozygotes in the most recent version of the database (gnomAD v4.1), which may be too frequent to be a primary cause of disease. Although we suspect that this variant may be benign, at this time, the clinical significance of this variant is uncertain due to the absence of conclusive functional and genetic evidence.

Ambry Genetics
Classification: Uncertain significance for Inborn genetic diseases. Last evaluated: 2025-02-15. Review status: criteria provided, single submitter. Criteria: Ambry Variant Classification Scheme 2023. Collection method: clinical testing. Allele origin: germline.